The following is an entry in ClinVar:

NM_177438.3(DICER1):c.1985C>A (p.Thr662Lys)

Gene: DICER1 (dicer 1, ribonuclease III; minus strand). Cytogenetic location: 14q32.13.
Variant type: single nucleotide variant.
Coding change: c.1985C>A on transcript NM_177438.3 (MANE Select); coding-DNA position 1985, C replaced by A.
Protein change: p.Thr662Lys; replaces threonine 662 with lysine.
Molecular consequence: missense variant. On other transcripts: non-coding transcript variant (6).
Genome position (GRCh38, 1-based): chr14:95,113,147, G>T on the plus strand (C>A on the coding strand, the complement: DICER1 is on the minus strand). VCF-style: chr14-95113147-G-T. GRCh37 (hg19) VCF-style: chr14-95579484-G-T.
Other names: c.1985C>A, p.Thr662Lys (NM_001395681.1, NM_001395682.1, NM_001395683.1 and 13 more transcripts); c.1703C>A, p.Thr568Lys (NM_001395686.1); c.1580C>A, p.Thr527Lys (NM_001395687.1, NM_001395688.1, NM_001395689.1 and 3 more transcripts); c.1418C>A, p.Thr473Lys (NM_001395691.1); c.302C>A, p.Thr101Lys (NM_001395697.1); short protein forms T101K, T473K, T527K, T568K, T662K.
Identifiers: ClinVar variation 1783864 (VCV001783864.4), dbSNP rs2542953825, ClinGen allele CA390883275.

ClinVar aggregate classification (germline): Uncertain significance. Review status: criteria provided, multiple submitters, no conflicts (2 of 4 stars). 2 submissions from 2 submitters: Uncertain significance (2). Last evaluated 2024-06-22.

Conditions:
Hereditary cancer-predisposing syndrome. Also called: Tumor predisposition; Neoplastic Syndromes, Hereditary; Hereditary Cancer Syndrome; Hereditary neoplastic syndrome. Identifiers: Orphanet 140162, MedGen C0027672, MeSH D009386, MONDO:0015356.
DICER1-related tumor predisposition. Also called: DICER1-related pleuropulmonary blastoma cancer predisposition syndrome; DICER1 syndrome. Identifiers: Orphanet 284343, MedGen C3839822, MONDO:0100216.

Submissions (2):

Labcorp Genetics (formerly Invitae), Labcorp
Classification: Uncertain significance for DICER1-related tumor predisposition. Last evaluated: 2024-06-22. Review status: criteria provided, single submitter. Criteria: Invitae Variant Classification Sherloc (09022015). Collection method: clinical testing. Allele origin: germline.
Comment: This sequence change replaces threonine, which is neutral and polar, with lysine, which is basic and polar, at codon 662 of the DICER1 protein (p.Thr662Lys). This variant is not present in population databases (gnomAD no frequency). This variant has not been reported in the literature in individuals affected with DICER1-related conditions. ClinVar contains an entry for this variant (Variation ID: 1783864). Advanced modeling of protein sequence and biophysical properties (such as structural, functional, and spatial information, amino acid conservation, physicochemical variation, residue mobility, and thermodynamic stability) performed at Invitae indicates that this missense variant is not expected to disrupt DICER1 protein function with a negative predictive value of 80%. Algorithms developed to predict the effect of sequence changes on RNA splicing suggest that this variant may create or strengthen a splice site. In summary, the available evidence is currently insufficient to determine the role of this variant in disease. Therefore, it has been classified as a Variant of Uncertain Significance.

Ambry Genetics
Classification: Uncertain significance for Hereditary cancer-predisposing syndrome. Last evaluated: 2021-03-31. Review status: criteria provided, single submitter. Criteria: Ambry Variant Classification Scheme 2023. Collection method: clinical testing. Allele origin: germline.
Comment: The p.T662K variant (also known as c.1985C>A), located in coding exon 11 of the DICER1 gene, results from a C to A substitution at nucleotide position 1985. The threonine at codon 662 is replaced by lysine, an amino acid with similar properties. This amino acid position is well conserved in available vertebrate species. In addition, the in silico prediction for this alteration is inconclusive. Since supporting evidence is limited at this time, the clinical significance of this alteration remains unclear.